The following is an entry in ClinVar:

ClinVar aggregate classification (germline): Uncertain significance (1 of 4 stars; one submission).

Submission:

GeneDx
Classification: Uncertain significance. Last evaluated: 2025-03-23. Review status: criteria provided, single submitter. Criteria: GeneDx Variant Classification Process June 2021. Collection method: clinical testing. Allele origin: germline. Affected: yes.
Comment: Not observed at significant frequency in large population cohorts (gnomAD); Missense variants in this gene are a common cause of disease and they are underrepresented in the general population; In silico analysis supports that this missense variant has a deleterious effect on protein structure/function; Has not been previously published as pathogenic or benign to our knowledge; This variant is associated with the following publications: (PMID: 39807824)

NM_002755.4(MAP2K1):c.922A>G (p.Met308Val)

Gene: MAP2K1 (mitogen-activated protein kinase kinase 1; plus strand). Cytogenetic location: 15q22.31.
Variant type: single nucleotide variant.
Coding change: c.922A>G on transcript NM_002755.4 (MANE Select); coding-DNA position 922, A replaced by G.
Protein change: p.Met308Val; replaces methionine 308 with valine.
Molecular consequence: missense variant.
Genome position (GRCh38, 1-based): chr15:66,487,254, A>G. VCF-style: chr15-66487254-A-G. GRCh37 (hg19) VCF-style: chr15-66779592-A-G.
Other names: c.778A>G, p.Met260Val (NM_001411065.1); short protein forms M308V, M260V.
Identifiers: ClinVar variation 4088104 (VCV004088104.1).